The following is an entry in ClinVar:

NM_001291303.3(FAT4):c.11826_11828dup (p.Tyr3943_Cys3944insTyr)

Gene: FAT4 (FAT atypical cadherin 4; plus strand). Cytogenetic location: 4q28.1.
Variant type: Duplication.
Coding change: c.11826_11828dup on transcript NM_001291303.3 (MANE Select); coding-DNA positions 11826 to 11828, 3 bases duplicated (TTA; older notation c.11826_11828dupTTA).
Protein change: p.Tyr3943_Cys3944insTyr.
Molecular consequence: inframe insertion.
Genome position (GRCh38, 1-based): chr4:125,463,588-125,463,590, TTA duplicated; duplicating any 3 consecutive bases within chr4:125,463,587-125,463,590 gives the same sequence; the c. name uses the placement nearest the transcript's 3' end. VCF-style (leftmost placement, unchanged base first): chr4-125463586-A-AATT. GRCh37 (hg19) VCF-style: chr4-126384741-A-AATT.
Other names: c.11826_11828dup, p.Tyr3943_Cys3944insTyr (NM_001291285.3); c.11820_11822dup, p.Tyr3941_Cys3942insTyr (NM_024582.6).
Identifiers: ClinVar variation 2117274 (VCV002117274.4), dbSNP rs2530955416, ClinGen allele CA2580071538.

ClinVar aggregate classification (germline): Uncertain significance (1 of 4 stars; one submission).

Submission:

Labcorp Genetics (formerly Invitae), Labcorp
Classification: Uncertain significance. Last evaluated: 2022-03-26. Review status: criteria provided, single submitter. Criteria: Invitae Variant Classification Sherloc (09022015). Collection method: clinical testing. Allele origin: germline.
Comment: In summary, the available evidence is currently insufficient to determine the role of this variant in disease. Therefore, it has been classified as a Variant of Uncertain Significance. This variant has not been reported in the literature in individuals affected with FAT4-related conditions. This variant is not present in population databases (gnomAD no frequency). This variant, c.11820_11822dup, results in the insertion of 1 amino acid(s) of the FAT4 protein (p.Tyr3941dup), but otherwise preserves the integrity of the reading frame.